The following is an entry in ClinVar:

ClinVar aggregate classification (germline): Uncertain significance (1 of 4 stars; one submission).

Conditions:
COG1 congenital disorder of glycosylation (CDG2G). Also called: CONGENITAL DISORDER OF GLYCOSYLATION, TYPE IIg; CDG IIg; CDGII/COG1 CEREBROCOSTOMANDIBULAR-LIKE SYNDROME. Identifiers: Orphanet 263508, MedGen C2931011, MONDO:0012637, OMIM 611209.

Submission:

Labcorp Genetics (formerly Invitae), Labcorp
Classification: Uncertain significance for COG1 congenital disorder of glycosylation. Last evaluated: 2025-11-17. Review status: criteria provided, single submitter. Criteria: Invitae Variant Classification Sherloc (09022015). Collection method: clinical testing. Allele origin: germline.
Comment: This sequence change replaces phenylalanine, which is neutral and non-polar, with leucine, which is neutral and non-polar, at codon 911 of the COG1 protein (p.Phe911Leu). This variant is not present in population databases (gnomAD no frequency). This variant has not been reported in the literature in individuals affected with COG1-related conditions. Invitae Evidence Modeling of protein sequence and biophysical properties (such as structural, functional, and spatial information, amino acid conservation, physicochemical variation, residue mobility, and thermodynamic stability) indicates that this missense variant is expected to disrupt COG1 protein function with a positive predictive value of 80%. Algorithms developed to predict the effect of sequence changes on RNA splicing suggest that this variant may disrupt the consensus splice site. In summary, the available evidence is currently insufficient to determine the role of this variant in disease. Therefore, it has been classified as a Variant of Uncertain Significance.

NM_018714.3(COG1):c.2731T>C (p.Phe911Leu)

Gene: COG1 (component of oligomeric golgi complex 1; plus strand). Cytogenetic location: 17q25.1.
Variant type: single nucleotide variant.
Coding change: c.2731T>C on transcript NM_018714.3 (MANE Select); coding-DNA position 2731, T replaced by C.
Protein change: p.Phe911Leu; replaces phenylalanine 911 with leucine.
Molecular consequence: missense variant.
Genome position (GRCh38, 1-based): chr17:73,207,182, T>C. VCF-style: chr17-73207182-T-C. GRCh37 (hg19) VCF-style: chr17-71203321-T-C.
Other names: short protein forms F911L.
Identifiers: ClinVar variation 4740365 (VCV004740365.1).